The following is an entry in ClinVar:

NM_007194.4(CHEK2):c.555del (p.Asn185fs)

Gene: CHEK2 (checkpoint kinase 2; minus strand). Cytogenetic location: 22q12.1.
Variant type: Deletion.
Coding change: c.555del on transcript NM_007194.4 (MANE Select); coding-DNA position 555, one base deleted (C; older notation c.555delC).
Protein change: p.Asn185fs; shifts the reading frame from asparagine 185.
Molecular consequence: frameshift variant. On other transcripts: 5 prime UTR variant (2), intron variant (1).
Genome position (GRCh38, 1-based): chr22:28,725,014, G deleted on the plus strand (C on the coding strand, the reverse complement: CHEK2 is on the minus strand). VCF-style (leftmost placement, unchanged base first): chr22-28725013-TG-T. GRCh37 (hg19) VCF-style: chr22-29121001-TG-T.
Other names: c.684del, p.Asn228fs (NM_001005735.3, NM_001438294.1); c.-223del (NM_001257387.3); c.-109del (NM_001437942.1); c.648del, p.Asn216fs (NM_001438293.1, NM_001438295.1); c.555del, p.Asn185fs (NM_145862.3); c.445-91del (NM_001349956.3); short protein forms N185fs, N228fs, N216fs.
Identifiers: ClinVar variation 2583261 (VCV002583261.5), dbSNP rs1569157403, ClinGen allele CA638954406.

ClinVar aggregate classification (germline): Pathogenic. Review status: criteria provided, multiple submitters, no conflicts (2 of 4 stars). 3 submissions from 3 submitters: Pathogenic (3). Last evaluated 2025-05-19.

Conditions:
Hereditary cancer-predisposing syndrome. Also called: Tumor predisposition; Hereditary neoplastic syndrome; Neoplastic Syndromes, Hereditary; Hereditary Cancer Syndrome. Identifiers: Orphanet 140162, MedGen C0027672, MeSH D009386, MONDO:0015356.
Familial cancer of breast. Also called: Hereditary breast cancer; BREAST CANCER, FAMILIAL; hereditary breast carcinoma. Identifiers: Orphanet 227535, MedGen C0346153, MONDO:0016419, OMIM 114480. Disease mechanism: loss of function.

Allele frequency attached by ClinVar (database versions not stated): gnomAD 0.00001.

Submissions (3):

Labcorp Genetics (formerly Invitae), Labcorp
Classification: Pathogenic for Familial cancer of breast. Last evaluated: 2025-05-19. Review status: criteria provided, single submitter. Criteria: Invitae Variant Classification Sherloc (09022015). Collection method: clinical testing. Allele origin: germline.
Comment: This sequence change creates a premature translational stop signal (p.Asn185Lysfs*9) in the CHEK2 gene. It is expected to result in an absent or disrupted protein product. Loss-of-function variants in CHEK2 are known to be pathogenic (PMID: 21876083, 24713400). This variant is present in population databases (no rsID available, gnomAD 0.007%). This variant has not been reported in the literature in individuals affected with CHEK2-related conditions. ClinVar contains an entry for this variant (Variation ID: 2583261). For these reasons, this variant has been classified as Pathogenic.

Ambry Genetics
Classification: Pathogenic for Hereditary cancer-predisposing syndrome. Last evaluated: 2024-09-10. Review status: criteria provided, single submitter. Criteria: Ambry Variant Classification Scheme 2023. Collection method: clinical testing. Allele origin: germline.
Comment: The c.555delC pathogenic mutation, located in coding exon 3 of the CHEK2 gene, results from a deletion of one nucleotide at nucleotide position 555, causing a translational frameshift with a predicted alternate stop codon (p.N185Kfs*9). This alteration is expected to result in loss of function by premature protein truncation or nonsense-mediated mRNA decay. As such, this alteration is interpreted as a disease-causing mutation.

Myriad Genetics, Inc.
Classification: Pathogenic for Familial cancer of breast. Last evaluated: 2023-06-26. Review status: criteria provided, single submitter. Criteria: Myriad Autosomal Dominant, Autosomal Recessive and X-Linked Classification Criteria (2023). Collection method: clinical testing. Allele origin: unknown.
Comment: This variant is considered pathogenic. This variant creates a frameshift predicted to result in premature protein truncation.

Literature cited by the submitters: PubMed 21876083 (cited by Labcorp Genetics (formerly Invitae), Labcorp); PubMed 24713400 (cited by Labcorp Genetics (formerly Invitae), Labcorp).